The following is an entry in ClinVar:

ClinVar aggregate classification (germline): Likely benign. Review status: criteria provided, single submitter (1 of 4 stars). 2 submissions from 2 submitters: Likely benign (1). 1 of the submissions does not count toward it. Last evaluated 2021-01-15.

Conditions:
KMT2D-related disorder. Also called: KMT2D-Related Disorders.

gnomAD v4.1: 1 of 1,613,918 alleles (0.000062%); highest among the groups gnomAD compares: South Asian, 0.0011%; no homozygotes.

Submissions (2):

Blueprint Genetics
Classification: Likely benign. Last evaluated: 2021-01-15. Review status: criteria provided, single submitter. Criteria: ACMG Guidelines, 2015. Collection method: clinical testing. Allele origin: germline.

PreventionGenetics, part of Exact Sciences
Classification: Uncertain significance for KMT2D-related condition. Last evaluated: 2023-11-28. Review status: no assertion criteria provided. Collection method: clinical testing. Allele origin: germline. Not counted in ClinVar's aggregate classification.
Comment: The KMT2D c.12427G>T variant is predicted to result in the amino acid substitution p.Asp4143Tyr. To our knowledge, this variant has not been reported in the literature or in a large population database, indicating this variant is rare. At this time, the clinical significance of this variant is uncertain due to the absence of conclusive functional and genetic evidence.

NM_003482.4(KMT2D):c.12427G>T (p.Asp4143Tyr)

Gene: KMT2D (lysine methyltransferase 2D; minus strand). Cytogenetic location: 12q13.12.
Variant type: single nucleotide variant.
Coding change: c.12427G>T on transcript NM_003482.4 (MANE Select); coding-DNA position 12427, G replaced by T.
Protein change: p.Asp4143Tyr; replaces aspartic acid 4143 with tyrosine.
Molecular consequence: missense variant.
Genome position (GRCh38, 1-based): chr12:49,032,278, C>A on the plus strand (G>T on the coding strand, the complement: KMT2D is on the minus strand). VCF-style: chr12-49032278-C-A. GRCh37 (hg19) VCF-style: chr12-49426061-C-A.
Other names: short protein forms D4143Y.
Identifiers: ClinVar variation 3029498 (VCV003029498.3), dbSNP rs2498357019, ClinGen allele CA384711591.